The following is an entry in ClinVar:

NM_000081.4(LYST):c.10480G>T (p.Gly3494Cys)

Gene: LYST (lysosomal trafficking regulator; minus strand). Cytogenetic location: 1q42.3.
Variant type: single nucleotide variant.
Coding change: c.10480G>T on transcript NM_000081.4 (MANE Select); coding-DNA position 10480, G replaced by T.
Protein change: p.Gly3494Cys; replaces glycine 3494 with cysteine.
Molecular consequence: missense variant.
Genome position (GRCh38, 1-based): chr1:235,697,167, C>A on the plus strand (G>T on the coding strand, the complement: LYST is on the minus strand). VCF-style: chr1-235697167-C-A. GRCh37 (hg19) VCF-style: chr1-235860467-C-A.
Other names: c.10480G>T, p.Gly3494Cys (NM_001301365.1); short protein forms G3494C.
Identifiers: ClinVar variation 2159327 (VCV002159327.4), dbSNP rs2527284947, ClinGen allele CA344929039.
Genomic context (GRCh38, chr1:235,697,167, plus strand): 5'-GAAGACAGAAATTCCGTGACAAACCACAGATTGCTCTGGTGGGCAGAGCCTGGAGAGAGC[C>A]AAATCTTTCTCCGTGGGGCTGGCTGAAGCAGACCACAGGTACTGGAGCACTGGGGGAACC-3'
Protein context (NP_000072.2, residues 3484-3504): CFSQPHGERF[Gly3494Cys]SLQALPTRAI

ClinVar aggregate classification (germline): Uncertain significance (1 of 4 stars; one submission).

Conditions:
Chédiak-Higashi syndrome (CHS). Also called: Chediak-Higashi Syndrome. Identifiers: Orphanet 167, MedGen C0007965, MONDO:0008963, OMIM 214500.

Submission:

Labcorp Genetics (formerly Invitae), Labcorp
Classification: Uncertain significance for Chédiak-Higashi syndrome. Last evaluated: 2022-03-04. Review status: criteria provided, single submitter. Criteria: Invitae Variant Classification Sherloc (09022015). Collection method: clinical testing. Allele origin: germline.
Comment: In summary, the available evidence is currently insufficient to determine the role of this variant in disease. Therefore, it has been classified as a Variant of Uncertain Significance. Algorithms developed to predict the effect of missense changes on protein structure and function are either unavailable or do not agree on the potential impact of this missense change (SIFT: "Deleterious"; PolyPhen-2: "Probably Damaging"; Align-GVGD: "Class C0"). This variant has not been reported in the literature in individuals affected with LYST-related conditions. This variant is not present in population databases (gnomAD no frequency). This sequence change replaces glycine, which is neutral and non-polar, with cysteine, which is neutral and slightly polar, at codon 3494 of the LYST protein (p.Gly3494Cys).